The following is an entry in ClinVar:

ClinVar aggregate classification (germline): Conflicting classifications of pathogenicity. Review status: criteria provided, conflicting classifications (1 of 4 stars). 6 submissions from 6 submitters: Uncertain significance (3); Likely benign (2). 1 of the submissions does not count toward it. Last evaluated 2026-09-30.

Conditions:
AP3B1-related disorder. Also called: AP3B1-related condition.
Hermansky-Pudlak syndrome 2 (HPS2). Also called: Platelet defects and oculocutaneous albinism. Identifiers: Orphanet 183678, Orphanet 79430, MedGen C1842362, MONDO:0011997, OMIM 608233.

Allele frequency attached by ClinVar (database versions not stated): 1000 Genomes Project 30x 0.00016; 1000 Genomes Project 0.00020; ESP Exome Variant Server 0.00054.
gnomAD v4.1: 137 of 1,613,184 alleles (0.0085%); highest among the groups gnomAD compares: African/African-American, 0.17%; no homozygotes.

Submissions (6):

GeneDx
Classification: Uncertain significance. Last evaluated: 2026-09-30. Review status: criteria provided, single submitter. Criteria: GeneDx Variant Classification Process June 2021. Collection method: clinical testing. Allele origin: germline.
Comment: Has not been previously published as pathogenic or benign to our knowledge; In silico analysis supports that this missense variant has a deleterious effect on protein structure/function

Labcorp Genetics (formerly Invitae), Labcorp
Classification: Likely benign for Hermansky-Pudlak syndrome 2. Last evaluated: 2025-12-03. Review status: criteria provided, single submitter. Criteria: Invitae Variant Classification Sherloc (09022015). Collection method: clinical testing. Allele origin: germline.

CeGaT Center for Human Genetics Tuebingen
Classification: Uncertain significance. Last evaluated: 2025-07-01. Review status: criteria provided, single submitter. Criteria: CeGaT Center For Human Genetics Tuebingen Variant Classification Criteria Version 2. Collection method: clinical testing. Allele origin: germline. Affected: yes. Observed: 1 variant allele.
Comment: AP3B1: PM2

Women's Health and Genetics/Laboratory Corporation of America, LabCorp
Classification: Likely benign. Last evaluated: 2024-10-25. Review status: criteria provided, single submitter. Criteria: LabCorp Variant Classification Summary - May 2015. Collection method: clinical testing. Allele origin: germline.
Comment: Variant summary: AP3B1 c.1798G>T (p.Ala600Ser) results in a conservative amino acid change in the encoded protein sequence. Four of five in-silico tools predict a benign effect of the variant on protein function. The variant allele was found at a frequency of 0.00018 in 251004 control chromosomes, predominantly at a frequency of 0.0025 within the African or African-American subpopulation in the gnomAD database. The observed variant frequency within African or African-American control individuals in the gnomAD database is approximately 5 fold of the estimated maximal expected allele frequency for a pathogenic variant in AP3B1 causing Hermansky-Pudlak Syndrome phenotype (0.0005). To our knowledge, no occurrence of c.1798G>T in individuals affected with Hermansky-Pudlak Syndrome and no experimental evidence demonstrating its impact on protein function have been reported. ClinVar contains an entry for this variant (Variation ID: 1079577). Based on the evidence outlined above, the variant was classified as likely benign.

Blueprint Genetics
Classification: Uncertain significance. Last evaluated: 2024-03-11. Review status: criteria provided, single submitter. Criteria: ACMG Guidelines, 2015. Collection method: clinical testing. Allele origin: germline.

PreventionGenetics, part of Exact Sciences
Classification: Likely benign for AP3B1-related condition. Last evaluated: 2022-10-26. Review status: no assertion criteria provided. Collection method: clinical testing. Allele origin: germline. Not counted in ClinVar's aggregate classification.
Comment: This variant is classified as likely benign based on ACMG/AMP sequence variant interpretation guidelines (Richards et al. 2015 PMID: 25741868, with internal and published modifications).

NM_003664.5(AP3B1):c.1798G>T (p.Ala600Ser)

Gene: AP3B1 (adaptor related protein complex 3 subunit beta 1; minus strand). Cytogenetic location: 5q14.1.
Variant type: single nucleotide variant.
Coding change: c.1798G>T on transcript NM_003664.5 (MANE Select); coding-DNA position 1798, G replaced by T.
Protein change: p.Ala600Ser; replaces alanine 600 with serine.
Molecular consequence: missense variant.
Genome position (GRCh38, 1-based): chr5:78,129,160, C>A on the plus strand (G>T on the coding strand, the complement: AP3B1 is on the minus strand). VCF-style: chr5-78129160-C-A. GRCh37 (hg19) VCF-style: chr5-77424984-C-A.
Other names: c.1798G>T (NM_003664.4); c.1651G>T, p.Ala551Ser (NM_001271769.2); short protein forms A551S, A600S.
Identifiers: ClinVar variation 1079577 (VCV001079577.23), dbSNP rs149263390, ClinGen allele CA3316965.
Genomic context (GRCh38, chr5:78,129,160, plus strand): 5'-GGAGTTATATTCTGATAATACCTTTAAAAGGAGACTCAAGCAGTGGTGCAGGCTTTTGTG[C>A]TAGGAATATTTTTTTGGCATATTTACTTAAAGCTCCACTCTTTACATTCGGAACAATAAG-3'
Protein context (NP_003655.3, residues 590-610): LSKYAKKIFL[Ala600Ser]QKPAPLLESP